The following is an entry in ClinVar:

ClinVar aggregate classification (germline): Uncertain significance (1 of 4 stars; one submission).

Conditions:
Aldosterone-producing adenoma with seizures and neurological abnormalities. Also called: Primary aldosteronism, seizures, and neurologic abnormalities. Identifiers: Orphanet 369929, MedGen C3809609, MONDO:0014200, OMIM 615474.

Allele frequency attached by ClinVar (database versions not stated): gnomAD exomes below 0.00001.
gnomAD v4.1: 1 of 1,613,992 alleles (0.000062%); highest among the groups gnomAD compares: South Asian, 0.0011%; no homozygotes.

Submission:

Neuberg Centre For Genomic Medicine, NCGM
Classification: Uncertain significance for Aldosterone-producing adenoma with seizures and neurological abnormalities. Review status: criteria provided, single submitter. Criteria: ACMG Guidelines, 2015. Collection method: clinical testing. Allele origin: germline. Inheritance: Autosomal dominant inheritance. Affected: yes.
Comment: The missense variant in c.6115G>C(p.Ala2039Pro) in CACNA1D gene has not been reported previously as a pathogenic variant nor as a benign variant, to our knowledge. The p.Ala2039Pro variant is novel (not in any individuals) in gnomAD Exomes and 1000 Genomes. The amino acid Ala at position 2039 is changed to a Pro changing protein sequence and it might alter its composition and physico-chemical properties. The amino acid change p.Ala2039Pro in CACNA1D is predicted as conserved by GERP++ and PhyloP across 100 vertebrates. For these reasons, this variant has been classified as uncertain significance.

NM_001128840.3(CACNA1D):c.6115G>C (p.Ala2039Pro)

Gene: CACNA1D (calcium voltage-gated channel subunit alpha1 D; plus strand). Cytogenetic location: 3p21.1.
Variant type: single nucleotide variant.
Coding change: c.6115G>C on transcript NM_001128840.3 (MANE Select); coding-DNA position 6115, G replaced by C.
Protein change: p.Ala2039Pro; replaces alanine 2039 with proline.
Molecular consequence: missense variant.
Genome position (GRCh38, 1-based): chr3:53,810,221, G>C. VCF-style: chr3-53810221-G-C. GRCh37 (hg19) VCF-style: chr3-53844248-G-C.
Other names: c.6175G>C, p.Ala2059Pro (NM_000720.4); c.6043G>C, p.Ala2015Pro (NM_001128839.3); short protein forms A2039P, A2015P, A2059P.
Identifiers: ClinVar variation 2585628 (VCV002585628.1), dbSNP rs2474563081, ClinGen allele CA353258528.
Genomic context (GRCh38, chr3:53,810,221, plus strand): 5'-CTGCACCGCAGCTCCTGGTACACAGACGAGCCCGACATCTCCTACCGGACTTTCACACCA[G>C]CCAGCCTGACTGTCCCCAGCAGCTTCCGGAACAAAAACAGCGACAAGCAGAGGAGTGCGG-3'
Protein context (NP_001122312.1, residues 2029-2049): PDISYRTFTP[Ala2039Pro]SLTVPSSFRN